The following is an entry in ClinVar:

NM_031935.3(HMCN1):c.621+3C>T

Gene: HMCN1 (hemicentin 1; plus strand). Cytogenetic location: 1q31.1.
Variant type: single nucleotide variant.
Coding change: c.621+3C>T on transcript NM_031935.3 (MANE Select); 3 bases into the intron after coding-DNA position 621, C replaced by T.
Molecular consequence: intron variant.
Genome position (GRCh38, 1-based): chr1:185,865,866, C>T. VCF-style: chr1-185865866-C-T. GRCh37 (hg19) VCF-style: chr1-185834998-C-T.
Identifiers: ClinVar variation 2799965 (VCV002799965.3), dbSNP rs1214883249, ClinGen allele CA2649547443.

ClinVar aggregate classification (germline): Uncertain significance (1 of 4 stars; one submission).

gnomAD v4.1: 1 of 1,613,176 alleles (0.000062%); highest among the groups gnomAD compares: Non-Finnish European, 0.000085%; no homozygotes.

Submission:

Labcorp Genetics (formerly Invitae), Labcorp
Classification: Uncertain significance. Last evaluated: 2023-01-19. Review status: criteria provided, single submitter. Criteria: Invitae Variant Classification Sherloc (09022015). Collection method: clinical testing. Allele origin: germline.
Comment: In summary, the available evidence is currently insufficient to determine the role of this variant in disease. Therefore, it has been classified as a Variant of Uncertain Significance. Variants that disrupt the consensus splice site are a relatively common cause of aberrant splicing (PMID: 17576681, 9536098). Algorithms developed to predict the effect of sequence changes on RNA splicing suggest that this variant is not likely to affect RNA splicing. This variant has been observed in individual(s) with features of retinitis pigmentosa (Invitae). This variant is not present in population databases (gnomAD no frequency). This sequence change falls in intron 4 of the HMCN1 gene. It does not directly change the encoded amino acid sequence of the HMCN1 protein. It affects a nucleotide within the consensus splice site.

Literature cited by the submitters: PubMed 17576681; PubMed 9536098.